The following is an entry in ClinVar:

7q31.2-q32, 15 Mb deletion

Gene: FOXP2 (forkhead box P2; plus strand). Cytogenetic location: 7q31.1.
Variant type: Deletion.
Identifiers: ClinVar variation 242968 (VCV000242968.1).

ClinVar aggregate classification (germline): Pathogenic (0 of 4 stars; one submission).

Conditions:
Childhood apraxia of speech (SPCH1). Also called: Speech language disorder; DEVELOPMENTAL VERBAL DYSPRAXIA; SPEECH AND LANGUAGE DISORDER WITH OROFACIAL DYSPRAXIA; FOXP2-Related Speech and Language Disorder. Identifiers: Orphanet 209908, MedGen C0750927, MONDO:0011184, OMIM 602081.

Submission:

GeneReviews
Classification: Pathogenic for Childhood apraxia of speech. Last evaluated: 2016-03-02. Review status: no assertion criteria provided. Collection method: literature only. Allele origin: germline. Affected: yes. Observed: 1 variant allele.
Comment: Speech: CAS Oromotor: Oromotor difficulties Language: Impaired expressive & receptive Cognition: Cognitive impairment

Literature cited by the submitters: PubMed 17033973.